The following is an entry in ClinVar:

ClinVar aggregate classification (germline): Uncertain significance (1 of 4 stars; one submission).

Conditions:
Hereditary sensory neuropathy-deafness-dementia syndrome. Also called: Hereditary sensory neuropathy type IE; NEUROPATHY, HEREDITARY SENSORY, WITH HEARING LOSS AND DEMENTIA; Hereditary Sensory and Autonomic Neuropathy Type 1E (HSAN1E); HSN IE. Identifiers: Orphanet 456318, MedGen C3279885, MONDO:0013584, OMIM 614116.

Submission:

Labcorp Genetics (formerly Invitae), Labcorp
Classification: Uncertain significance for Hereditary sensory neuropathy-deafness-dementia syndrome. Last evaluated: 2025-01-13. Review status: criteria provided, single submitter. Criteria: Invitae Variant Classification Sherloc (09022015). Collection method: clinical testing. Allele origin: germline.
Comment: This sequence change affects codon 767 of the DNMT1 mRNA. It is a 'silent' change, meaning that it does not change the encoded amino acid sequence of the DNMT1 protein. This variant is not present in population databases (gnomAD no frequency). This variant has not been reported in the literature in individuals affected with DNMT1-related conditions. Algorithms developed to predict the effect of sequence changes on RNA splicing suggest that this variant may disrupt the consensus splice site. In summary, the available evidence is currently insufficient to determine the role of this variant in disease. Therefore, it has been classified as a Variant of Uncertain Significance.

NM_001130823.3(DNMT1):c.2301C>T (p.Cys767=)

Gene: DNMT1 (DNA methyltransferase 1; minus strand). Cytogenetic location: 19p13.2.
Variant type: single nucleotide variant.
Coding change: c.2301C>T on transcript NM_001130823.3 (MANE Select); coding-DNA position 2301, C replaced by T.
Protein change: p.Cys767=; no amino-acid change (cysteine 767 retained).
Molecular consequence: synonymous variant.
Genome position (GRCh38, 1-based): chr19:10,149,933, G>A on the plus strand (C>T on the coding strand, the complement: DNMT1 is on the minus strand). VCF-style: chr19-10149933-G-A. GRCh37 (hg19) VCF-style: chr19-10260609-G-A.
Other names: c.2253C>T, p.Cys751= (NM_001318730.2, NM_001379.4); c.1938C>T, p.Cys646= (NM_001318731.2).
Identifiers: ClinVar variation 3674353 (VCV003674353.2).